The following is an entry in ClinVar:

NM_002742.3(PRKD1):c.445C>G (p.Leu149Val)

Gene: PRKD1 (protein kinase D1; minus strand). Cytogenetic location: 14q12.
Variant type: single nucleotide variant.
Coding change: c.445C>G on transcript NM_002742.3 (MANE Select); coding-DNA position 445, C replaced by G.
Protein change: p.Leu149Val; replaces leucine 149 with valine.
Molecular consequence: missense variant.
Genome position (GRCh38, 1-based): chr14:29,666,167, G>C on the plus strand (C>G on the coding strand, the complement: PRKD1 is on the minus strand). VCF-style: chr14-29666167-G-C. GRCh37 (hg19) VCF-style: chr14-30135373-G-C.
Other names: c.445C>G, p.Leu149Val (NM_001330069.2); c.157C>G, p.Leu53Val (NM_001348390.1); short protein forms L53V, L149V.
Identifiers: ClinVar variation 1032084 (VCV001032084.1), dbSNP rs1168333527, ClinGen allele CA389477578.

ClinVar aggregate classification (germline): Uncertain significance (1 of 4 stars; one submission).

Conditions:
Congenital heart defects and ectodermal dysplasia (CHDED). Identifiers: MedGen C4479250, MONDO:0044303, OMIM 617364.

Allele frequency attached by ClinVar (database versions not stated): TOPMed below 0.00001 and 0.00001; gnomAD 0.00002.
gnomAD v4.1: 4 of 1,606,876 alleles (0.00025%); highest among the groups gnomAD compares: African/African-American, 0.004%; no homozygotes.

Submission:

Baylor Genetics
Classification: Uncertain significance for Congenital heart defects and ectodermal dysplasia. Last evaluated: 2018-04-19. Review status: criteria provided, single submitter. Criteria: ACMG Guidelines, 2015. Collection method: clinical testing. Allele origin: paternal. Affected: yes.
Comment: This variant was determined to be of uncertain significance according to ACMG Guidelines, 2015 [PMID:25741868].